The following is an entry in ClinVar:

ClinVar aggregate classification (germline): Uncertain significance. Review status: criteria provided, multiple submitters, no conflicts (2 of 4 stars). 4 submissions from 4 submitters: Uncertain significance (4). Last evaluated 2025-10-15.

Conditions:
Inborn genetic diseases. Identifiers: MedGen C0950123, MeSH D030342.

Allele frequency attached by ClinVar (database versions not stated): ExAC 0.00002; TOPMed 0.00002; gnomAD 0.00004 and 0.00005; gnomAD exomes 0.00004 and 0.00005; 1000 Genomes Project 0.00020; 1000 Genomes Project 30x 0.00031.
gnomAD v4.1: 92 of 1,614,120 alleles (0.0057%); highest among the groups gnomAD compares: Non-Finnish European, 0.0067%; no homozygotes.

Submissions (4):

Ambry Genetics
Classification: Uncertain significance for Inborn genetic diseases. Last evaluated: 2025-10-15. Review status: criteria provided, single submitter. Criteria: Ambry Variant Classification Scheme 2023. Collection method: clinical testing. Allele origin: germline.

Blueprint Genetics
Classification: Uncertain significance. Last evaluated: 2024-08-30. Review status: criteria provided, single submitter. Criteria: ACMG Guidelines, 2015. Collection method: clinical testing. Allele origin: germline.

Mayo Clinic Laboratories, Mayo Clinic
Classification: Uncertain significance. Last evaluated: 2023-02-21. Review status: criteria provided, single submitter. Criteria: ACMG Guidelines, 2015. Collection method: clinical testing. Allele origin: germline. Observed: 1 variant allele.
Comment: BP4

Labcorp Genetics (formerly Invitae), Labcorp
Classification: Uncertain significance. Last evaluated: 2022-10-07. Review status: criteria provided, single submitter. Criteria: Invitae Variant Classification Sherloc (09022015). Collection method: clinical testing. Allele origin: germline.
Comment: This sequence change replaces aspartic acid, which is acidic and polar, with asparagine, which is neutral and polar, at codon 929 of the BMP1 protein (p.Asp929Asn). This variant is present in population databases (rs571276543, gnomAD 0.01%). This variant has not been reported in the literature in individuals affected with BMP1-related conditions. ClinVar contains an entry for this variant (Variation ID: 1411574). Advanced modeling of protein sequence and biophysical properties (such as structural, functional, and spatial information, amino acid conservation, physicochemical variation, residue mobility, and thermodynamic stability) performed at Invitae indicates that this missense variant is not expected to disrupt BMP1 protein function. In summary, the available evidence is currently insufficient to determine the role of this variant in disease. Therefore, it has been classified as a Variant of Uncertain Significance.

NM_006129.5(BMP1):c.2785G>A (p.Asp929Asn)

Gene: BMP1 (bone morphogenetic protein 1; plus strand). Cytogenetic location: 8p21.3.
Variant type: single nucleotide variant.
Coding change: c.2785G>A on transcript NM_006129.5 (MANE Select); coding-DNA position 2785, G replaced by A.
Protein change: p.Asp929Asn; replaces aspartic acid 929 with asparagine.
Molecular consequence: missense variant. On other transcripts: non-coding transcript variant (1).
Genome position (GRCh38, 1-based): chr8:22,209,654, G>A. VCF-style: chr8-22209654-G-A. GRCh37 (hg19) VCF-style: chr8-22067167-G-A.
Other names: p.Asp929Asn; c.2785G>A (NM_006129.4); short protein forms D929N.
Identifiers: ClinVar variation 1411574 (VCV001411574.6), dbSNP rs571276543, ClinGen allele CA4665362.